The following is an entry in ClinVar:

ClinVar aggregate classification (germline): Uncertain significance. Review status: criteria provided, multiple submitters, no conflicts (2 of 4 stars). 2 submissions from 2 submitters: Uncertain significance (2). Last evaluated 2023-08-29.

Conditions:
Hereditary cancer-predisposing syndrome. Also called: Neoplastic Syndromes, Hereditary; Hereditary Cancer Syndrome; Tumor predisposition; Hereditary neoplastic syndrome. Identifiers: Orphanet 140162, MedGen C0027672, MeSH D009386, MONDO:0015356.
Rhabdoid tumor predisposition syndrome 2 (RTPS2). Identifiers: Orphanet 231108, Orphanet 69077, MedGen C2750074, MONDO:0013224, OMIM 613325.

Allele frequency attached by ClinVar (database versions not stated): gnomAD exomes below 0.00001 and 0.00001; TOPMed below 0.00001; ExAC 0.00001.
gnomAD v4.1: 2 of 1,611,436 alleles (0.00012%); highest among the groups gnomAD compares: South Asian, 0.0022%; no homozygotes.

Submissions (2):

Ambry Genetics
Classification: Uncertain significance for Hereditary cancer-predisposing syndrome. Last evaluated: 2023-08-29. Review status: criteria provided, single submitter. Criteria: Ambry Variant Classification Scheme 2023. Collection method: clinical testing. Allele origin: germline.
Comment: The p.I303T variant (also known as c.908T>C), located in coding exon 5 of the SMARCA4 gene, results from a T to C substitution at nucleotide position 908. The isoleucine at codon 303 is replaced by threonine, an amino acid with similar properties. This amino acid position is well conserved in available vertebrate species. In addition, the in silico prediction for this alteration is inconclusive. Missense and in-frame variants in SMARCA4 are known to cause neurodevelopmental disorders; however, such associations with rhabdoid tumor predisposition syndrome including small cell carcinoma of the ovary-hypercalcemic type (SCCOHT) are exceedingly rare (Kosho T et al. Am J Med Genet C Semin Med Genet. 2014 Sep;166C(3):262-75; Jelinic P et al. Nat Genet. 2014 May;46(5):424-6). Based on the supporting evidence, the association of this alteration with Coffin-Siris syndrome is unknown; however, the association of this alteration with rhabdoid tumor predisposition syndrome is unlikely.

Labcorp Genetics (formerly Invitae), Labcorp
Classification: Uncertain significance for Rhabdoid tumor predisposition syndrome 2. Last evaluated: 2022-12-06. Review status: criteria provided, single submitter. Criteria: Invitae Variant Classification Sherloc (09022015). Collection method: clinical testing. Allele origin: germline.
Comment: This variant has not been reported in the literature in individuals affected with SMARCA4-related conditions. In summary, the available evidence is currently insufficient to determine the role of this variant in disease. Therefore, it has been classified as a Variant of Uncertain Significance. Advanced modeling of protein sequence and biophysical properties (such as structural, functional, and spatial information, amino acid conservation, physicochemical variation, residue mobility, and thermodynamic stability) performed at Invitae indicates that this missense variant is not expected to disrupt SMARCA4 protein function. ClinVar contains an entry for this variant (Variation ID: 1037314). This variant is present in population databases (rs778446601, gnomAD 0.007%). This sequence change replaces isoleucine, which is neutral and non-polar, with threonine, which is neutral and polar, at codon 303 of the SMARCA4 protein (p.Ile303Thr).

NM_003072.5(SMARCA4):c.908T>C (p.Ile303Thr)

Gene: SMARCA4 (SWI/SNF related BAF chromatin remodeling complex subunit ATPase 4; plus strand). Cytogenetic location: 19p13.2.
Variant type: single nucleotide variant.
Coding change: c.908T>C on transcript NM_003072.5 (MANE Select); coding-DNA position 908, T replaced by C.
Protein change: p.Ile303Thr; replaces isoleucine 303 with threonine.
Molecular consequence: missense variant. On other transcripts: non-coding transcript variant (1).
Genome position (GRCh38, 1-based): chr19:10,987,714, T>C. VCF-style: chr19-10987714-T-C. GRCh37 (hg19) VCF-style: chr19-11098390-T-C.
Other names: c.908T>C, p.Ile303Thr (NM_001128844.3, NM_001128845.2, NM_001128846.2 and 5 more transcripts); short protein forms I303T.
Identifiers: ClinVar variation 1037314 (VCV001037314.11), dbSNP rs778446601, ClinGen allele CA9203625.